The following is an entry in ClinVar:

NM_173689.7(CRB2):c.1092G>A (p.Ser364=)

Gene: CRB2 (crumbs cell polarity complex component 2; plus strand). Cytogenetic location: 9q33.3.
Variant type: single nucleotide variant.
Coding change: c.1092G>A on transcript NM_173689.7 (MANE Select); coding-DNA position 1092, G replaced by A.
Protein change: p.Ser364=; no amino-acid change (serine 364 retained).
Molecular consequence: synonymous variant. On other transcripts: non-coding transcript variant (1).
Genome position (GRCh38, 1-based): chr9:123,370,145, G>A. VCF-style: chr9-123370145-G-A. GRCh37 (hg19) VCF-style: chr9-126132424-G-A.
Other names: c.1092G>A (NM_173689.6).
Identifiers: ClinVar variation 2141134 (VCV002141134.6), dbSNP rs151308177, ClinGen allele CA5231900.

ClinVar aggregate classification (germline): Likely benign. Review status: criteria provided, single submitter (1 of 4 stars). 2 submissions from 2 submitters: Likely benign (1). 1 of the submissions does not count toward it. Last evaluated 2024-11-28.

Conditions:
CRB2-related disorder. Also called: CRB2-related disorders; CRB2-related condition.

Allele frequency attached by ClinVar (database versions not stated): TOPMed 0.00001; gnomAD 0.00007; ExAC 0.00014; gnomAD exomes 0.00016; 1000 Genomes Project 30x 0.00047; 1000 Genomes Project 0.00060.

Submissions (2):

Labcorp Genetics (formerly Invitae), Labcorp
Classification: Likely benign. Last evaluated: 2024-11-28. Review status: criteria provided, single submitter. Criteria: Invitae Variant Classification Sherloc (09022015). Collection method: clinical testing. Allele origin: germline.

PreventionGenetics, part of Exact Sciences
Classification: Likely benign for CRB2-related condition. Last evaluated: 2023-12-14. Review status: no assertion criteria provided. Collection method: clinical testing. Allele origin: germline. Not counted in ClinVar's aggregate classification.
Comment: This variant is classified as likely benign based on ACMG/AMP sequence variant interpretation guidelines (Richards et al. 2015 PMID: 25741868, with internal and published modifications).